The following is an entry in ClinVar:

ClinVar aggregate classification (germline): Pathogenic (1 of 4 stars; one submission).

Conditions:
X-linked hydrocephalus syndrome (HYCX). Also called: X-Linked Hydrocephalus with Stenosis of the Aqueduct of Sylvius (HSAS); AQUEDUCTAL STENOSIS, X-LINKED; X-Linked Hydrocephalus with Stenosis of the Aqueduct of Sylvius; X-linked hydrocephalus; HYDROCEPHALUS, CONGENITAL, X-LINKED. Identifiers: Orphanet 2182, MedGen C0265216, MONDO:0010611, OMIM 307000.
MASA syndrome. Also called: MASA (Mental Retardation, Adducted Thumbs, Shuffling Gait, Aphasia) Syndrome, Including SPG1 (X-Linked Complicated Hereditary Spastic Paraplegia Type 1); ADDUCTED THUMB WITH MENTAL RETARDATION; CLASPED THUMB AND MENTAL RETARDATION; GAREIS-MASON SYNDROME; MENTAL RETARDATION, APHASIA, SHUFFLING GAIT, AND ADDUCTED THUMBS; SPASTIC PARAPLEGIA 1, X-LINKED. Identifiers: Orphanet 2466, MedGen C0795953, MONDO:0010559, OMIM 303350.
X-linked complicated corpus callosum dysgenesis. Also called: X-Linked Complicated Corpus Callosum Agenesis. Identifiers: Orphanet 1497, MedGen C1839909, MONDO:0010569, OMIM 304100.

Submission:

Juno Genomics, Hangzhou Juno Genomics, Inc
Classification: Pathogenic for X-linked complicated corpus callosum dysgenesis; X-linked hydrocephalus syndrome; MASA syndrome. Review status: criteria provided, single submitter. Criteria: ACMG Guidelines, 2015. Collection method: clinical testing. Allele origin: germline. Affected: yes.
Comment: Absent from controls (or at extremely low frequency if recessive) in Genome Aggregation Database, Exome Sequencing Project, 1000 Genomes Project, or Exome Aggregation Consortium.;Null variant in a gene where loss of function (LOF) is a known mechanism of disease.;Patient's phenotype or family history is highly specific for a disease with a single genetic etiology.

NM_001278116.2(L1CAM):c.3138del (p.Arg1046fs)

Gene: L1CAM (L1 cell adhesion molecule; minus strand). Cytogenetic location: Xq28.
Variant type: Deletion.
Coding change: c.3138del on transcript NM_001278116.2 (MANE Select); coding-DNA position 3138, one base deleted (G; older notation c.3138delG).
Protein change: p.Arg1046fs; shifts the reading frame from arginine 1046.
Molecular consequence: frameshift variant.
Genome position (GRCh38, 1-based): chrX:153,864,613, C deleted on the plus strand (G on the coding strand, the reverse complement: L1CAM is on the minus strand); the first of 2 consecutive C bases (chrX:153,864,613-153,864,614); deleting either gives the same sequence. VCF-style (leftmost placement, unchanged base first): chrX-153864612-AC-A. GRCh37 (hg19) VCF-style: chrX-153130067-AC-A.
Other names: c.3138del, p.Arg1046fs (NM_000425.5, NM_024003.3); c.3123del, p.Arg1041fs (NM_001143963.2); short protein forms R1041fs, R1046fs.
Identifiers: ClinVar variation 4531232 (VCV004531232.1).
Genomic context (GRCh38, chrX:153,864,612, plus strand): 5'-CCACCACGCCCCAAGGCCCCCTTTCACGCTTACCTCCCAAGGCTTTGAACAAGATATGGA[AC>A]CTGAAGTTGCACTGGCCCTCCTTGGGGACCCAGGAGACGACACTGTAGTTTTCACCCGCT-3'